The following is an entry in ClinVar:

NM_181458.4(PAX3):c.793G>T (p.Val265Phe)

Gene: PAX3 (paired box 3; minus strand). Cytogenetic location: 2q36.1.
Variant type: single nucleotide variant.
Coding change: c.793G>T on transcript NM_181458.4 (MANE Select); coding-DNA position 793, G replaced by T.
Protein change: p.Val265Phe; replaces valine 265 with phenylalanine.
Molecular consequence: missense variant.
Genome position (GRCh38, 1-based): chr2:222,221,387, C>A on the plus strand (G>T on the coding strand, the complement: PAX3 is on the minus strand). VCF-style: chr2-222221387-C-A. GRCh37 (hg19) VCF-style: chr2-223086106-C-A.
Other names: c.790G>T, p.Val264Phe (NM_001127366.3); c.793G>T, p.Val265Phe (NM_181457.4, NM_181459.4, NM_181460.4 and 1 more transcripts); short protein forms V264F, V265F.
Identifiers: ClinVar variation 2573953 (VCV002573953.1), dbSNP rs1210072810, ClinGen allele CA351116776.
Genomic context (GRCh38, chr2:222,221,387, plus strand): 5'-CCATCAGTTGATTGGCCCCAGCTTGCTTCCTCCATCTTGCACGGCGGTTGCTAAACCAGA[C>A]CTATGGATTTAATTTAAAATTTAAGGATTTCACTGATGAAATAATAGTACATTCTTAATG-3'
Protein context (NP_852123.1, residues 255-275): RAKLTEARVQ[Val265Phe]WFSNRRARWR

ClinVar aggregate classification (germline): Likely pathogenic (1 of 4 stars; one submission).

Submission:

GeneDx
Classification: Likely pathogenic. Last evaluated: 2023-01-18. Review status: criteria provided, single submitter. Criteria: GeneDx Variant Classification Process June 2021. Collection method: clinical testing. Allele origin: germline. Affected: yes.
Comment: Published functional studies demonstrate that the variant abolished binding to oligonucleotide probes containing Pax3-specific binding sites (Fortin et al., 1997); Not observed at significant frequency in large population cohorts (gnomAD); In silico analysis supports that this missense variant has a deleterious effect on protein structure/function; In silico analysis is inconclusive as to whether the variant alters gene splicing. In the absence of RNA/functional studies, the actual effect of this sequence change is unknown.; Identified in patients with Waardenburg syndrome in published literature (DeStefano et al., 1998) and additional phenotypic information was not provided; This variant is associated with the following publications: (PMID: 9302254, 9654197, 8667990, 20643146, 26149688, 18325909, 12356307, 16280008)